The following is an entry in ClinVar:

ClinVar aggregate classification (germline): Uncertain significance. Review status: criteria provided, multiple submitters, no conflicts (2 of 4 stars). 2 submissions from 2 submitters: Uncertain significance (2). Last evaluated 2026-03-27.

Conditions:
Hereditary cancer-predisposing syndrome. Also called: Neoplastic Syndromes, Hereditary; Hereditary Cancer Syndrome; Tumor predisposition; Hereditary neoplastic syndrome. Identifiers: Orphanet 140162, MedGen C0027672, MeSH D009386, MONDO:0015356.

Submissions (2):

Ambry Genetics
Classification: Uncertain significance for Hereditary cancer-predisposing syndrome. Last evaluated: 2026-03-27. Review status: criteria provided, single submitter. Criteria: Ambry Variant Classification Scheme 2023. Collection method: clinical testing. Allele origin: germline.
Comment: The p.R2598L variant (also known as c.7793G>T), located in coding exon 52 of the ATM gene, results from a G to T substitution at nucleotide position 7793. The arginine at codon 2598 is replaced by leucine, an amino acid with dissimilar properties. This amino acid position is highly conserved in available vertebrate species. In addition, this alteration is predicted to be deleterious by in silico analysis. Based on the available evidence, the clinical significance of this variant remains unclear.

Color Diagnostics, LLC DBA Color Health
Classification: Uncertain significance for Hereditary cancer-predisposing syndrome. Last evaluated: 2019-06-07. Review status: criteria provided, single submitter. Criteria: ACMG Guidelines, 2015. Collection method: clinical testing. Allele origin: germline.

NM_000051.4(ATM):c.7793G>T (p.Arg2598Leu)

Genes: ATM (ATM serine/threonine kinase; plus strand), C11orf65 (chromosome 11 open reading frame 65; minus strand). Cytogenetic location: 11q22.3.
Variant type: single nucleotide variant.
Coding change: c.7793G>T on transcript NM_000051.4 (MANE Select); coding-DNA position 7793, G replaced by T.
Protein change: p.Arg2598Leu; replaces arginine 2598 with leucine.
Molecular consequence: missense variant. On other transcripts: intron variant (2).
Genome position (GRCh38, 1-based): chr11:108,332,766, G>T. VCF-style: chr11-108332766-G-T. GRCh37 (hg19) VCF-style: chr11-108203493-G-T.
Other names: c.7793G>T, p.Arg2598Leu (NM_001351834.2); c.641-23695C>A (NM_001330368.2); c.*38+2454C>A (NM_001351110.2); short protein forms R2598L.
Identifiers: ClinVar variation 489590 (VCV000489590.7), dbSNP rs140263969, ClinGen allele CA382561246.